The following is an entry in ClinVar:

ClinVar aggregate classification (germline): Uncertain significance. Review status: criteria provided, multiple submitters, no conflicts (2 of 4 stars). 3 submissions from 3 submitters: Uncertain significance (3). Last evaluated 2025-08-04.

Conditions:
Inborn genetic diseases. Identifiers: MedGen C0950123, MeSH D030342.

Allele frequency attached by ClinVar (database versions not stated): TOPMed below 0.00001; gnomAD 0.00001; ExAC 0.00002; gnomAD exomes 0.00003.
gnomAD v4.1: 43 of 1,614,148 alleles (0.0027%); highest among the groups gnomAD compares: Middle Eastern, 0.41%; 1 homozygote.

Submissions (3):

Ambry Genetics
Classification: Uncertain significance for Inborn genetic diseases. Last evaluated: 2025-08-04. Review status: criteria provided, single submitter. Criteria: Ambry Variant Classification Scheme 2023. Collection method: clinical testing. Allele origin: germline.

Blueprint Genetics
Classification: Uncertain significance. Last evaluated: 2024-11-12. Review status: criteria provided, single submitter. Criteria: ACMG Guidelines, 2015. Collection method: clinical testing. Allele origin: germline.

Labcorp Genetics (formerly Invitae), Labcorp
Classification: Uncertain significance. Last evaluated: 2024-10-29. Review status: criteria provided, single submitter. Criteria: Invitae Variant Classification Sherloc (09022015). Collection method: clinical testing. Allele origin: germline.
Comment: This sequence change replaces leucine, which is neutral and non-polar, with valine, which is neutral and non-polar, at codon 908 of the TTLL5 protein (p.Leu908Val). This variant is present in population databases (rs771470144, gnomAD 0.004%). This variant has not been reported in the literature in individuals affected with TTLL5-related conditions. ClinVar contains an entry for this variant (Variation ID: 957430). Invitae Evidence Modeling of protein sequence and biophysical properties (such as structural, functional, and spatial information, amino acid conservation, physicochemical variation, residue mobility, and thermodynamic stability) indicates that this missense variant is not expected to disrupt TTLL5 protein function with a negative predictive value of 80%. In summary, the available evidence is currently insufficient to determine the role of this variant in disease. Therefore, it has been classified as a Variant of Uncertain Significance.

NM_015072.5(TTLL5):c.2722C>G (p.Leu908Val)

Gene: TTLL5 (tubulin tyrosine ligase like 5; plus strand). Cytogenetic location: 14q24.3.
Variant type: single nucleotide variant.
Coding change: c.2722C>G on transcript NM_015072.5 (MANE Select); coding-DNA position 2722, C replaced by G.
Protein change: p.Leu908Val; replaces leucine 908 with valine.
Molecular consequence: missense variant.
Genome position (GRCh38, 1-based): chr14:75,783,266, C>G. VCF-style: chr14-75783266-C-G. GRCh37 (hg19) VCF-style: chr14-76249609-C-G.
Other names: short protein forms L908V.
Identifiers: ClinVar variation 957430 (VCV000957430.12), dbSNP rs771470144, ClinGen allele CA7279801.